The following is an entry in ClinVar:

NM_032444.4(SLX4):c.4306A>G (p.Ile1436Val)

Gene: SLX4 (SLX4 structure-specific endonuclease subunit; minus strand). Cytogenetic location: 16p13.3.
Variant type: single nucleotide variant.
Coding change: c.4306A>G on transcript NM_032444.4 (MANE Select); coding-DNA position 4306, A replaced by G.
Protein change: p.Ile1436Val; replaces isoleucine 1436 with valine.
Molecular consequence: missense variant.
Genome position (GRCh38, 1-based): chr16:3,589,332, T>C on the plus strand (A>G on the coding strand, the complement: SLX4 is on the minus strand). VCF-style: chr16-3589332-T-C. GRCh37 (hg19) VCF-style: chr16-3639333-T-C.
Other names: short protein forms I1436V.
Identifiers: ClinVar variation 1435197 (VCV001435197.6), dbSNP rs2151121602, ClinGen allele CA394517407.
Genomic context (GRCh38, chr16:3,589,332, plus strand): 5'-GGCTGGGGCTGCTGGTGCTCAGGGGGCCGGTCCGCTCCAGGTTCCAGTGGTCAATGGGAA[T>C]TGGCGAGAGGGGCTCCATGTGCCAGCAGCAGTCGTCAATTGGAATTGGGGGGTCACTGTC-3'
Protein context (NP_115820.2, residues 1426-1446): CCWHMEPLSP[Ile1436Val]PIDHWNLERT

ClinVar aggregate classification (germline): Uncertain significance (1 of 4 stars; one submission).

Conditions:
Fanconi anemia (FA). Also called: Fanconi's anemia. Identifiers: Orphanet 84, MedGen C0015625, MeSH D005199, MONDO:0019391.

gnomAD v4.1: 3 of 1,577,742 alleles (0.00019%); highest among the groups gnomAD compares: Non-Finnish European, 0.000086%; no homozygotes.

Submission:

Labcorp Genetics (formerly Invitae), Labcorp
Classification: Uncertain significance for Fanconi anemia. Last evaluated: 2021-11-06. Review status: criteria provided, single submitter. Criteria: Invitae Variant Classification Sherloc (09022015). Collection method: clinical testing. Allele origin: germline.
Comment: This sequence change replaces isoleucine, which is neutral and non-polar, with valine, which is neutral and non-polar, at codon 1436 of the SLX4 protein (p.Ile1436Val). Algorithms developed to predict the effect of missense changes on protein structure and function are either unavailable or do not agree on the potential impact of this missense change (SIFT: "Tolerated"; PolyPhen-2: "Possibly Damaging"; Align-GVGD: "Class C0"). This variant has not been reported in the literature in individuals affected with SLX4-related conditions. This variant is not present in population databases (gnomAD no frequency). Algorithms developed to predict the effect of sequence changes on RNA splicing suggest that this variant may create or strengthen a splice site. In summary, the available evidence is currently insufficient to determine the role of this variant in disease. Therefore, it has been classified as a Variant of Uncertain Significance.